The following is an entry in ClinVar:

ClinVar aggregate classification (germline): Likely pathogenic (1 of 4 stars; one submission).

Conditions:
Autosomal recessive limb-girdle muscular dystrophy type 2K. Also called: MUSCULAR DYSTROPHY-DYSTROGLYCANOPATHY (LIMB-GIRDLE), TYPE C, 1; MUSCULAR DYSTROPHY, LIMB-GIRDLE, TYPE 2K. Identifiers: Orphanet 86812, MedGen C1836373, MONDO:0012248, OMIM 609308.
Walker-Warburg congenital muscular dystrophy. Also called: Muscular dystrophy-dystroglycanopathy, type A; Walker-Warburg syndrome. Identifiers: Orphanet 899, MedGen C0265221, MONDO:0000171.
Muscular dystrophy-dystroglycanopathy (congenital with impaired intellectual development), type B, 1. Also called: Muscular dystrophy-dystroglycanopathy (congenital with intellectual disability), type B1; MUSCULAR DYSTROPHY, CONGENITAL, POMT1-RELATED. Identifiers: MedGen C5436962, MONDO:0013159, OMIM 613155.

Submission:

Labcorp Genetics (formerly Invitae), Labcorp
Classification: Likely pathogenic for Muscular dystrophy-dystroglycanopathy (congenital with impaired intellectual development), type B, 1; Walker-Warburg congenital muscular dystrophy; Autosomal recessive limb-girdle muscular dystrophy type 2K. Last evaluated: 2022-02-05. Review status: criteria provided, single submitter. Criteria: Invitae Variant Classification Sherloc (09022015). Collection method: clinical testing. Allele origin: germline.
Comment: This sequence change affects an acceptor splice site in intron 17 of the POMT1 gene. It is expected to disrupt RNA splicing. Variants that disrupt the donor or acceptor splice site typically lead to a loss of protein function (PMID: 16199547), and loss-of-function variants in POMT1 are known to be pathogenic (PMID: 12369018, 15637732, 16575835). This variant is not present in population databases (gnomAD no frequency). In summary, the currently available evidence indicates that the variant is pathogenic, but additional data are needed to prove that conclusively. Therefore, this variant has been classified as Likely Pathogenic. Algorithms developed to predict the effect of sequence changes on RNA splicing suggest that this variant may disrupt the consensus splice site. ClinVar contains an entry for this variant (Variation ID: 946669). This variant has not been reported in the literature in individuals affected with POMT1-related conditions.

Literature cited by the submitters: PubMed 16199547; PubMed 12369018; PubMed 15637732; PubMed 16575835.

NM_001077365.2(POMT1):c.1699-1G>A

Gene: POMT1 (protein O-mannosyltransferase 1; plus strand). Cytogenetic location: 9q34.13.
Variant type: single nucleotide variant.
Coding change: c.1699-1G>A on transcript NM_001077365.2 (MANE Select); the canonical splice acceptor site of the intron before coding-DNA position 1699, G replaced by A.
Molecular consequence: splice acceptor variant.
Genome position (GRCh38, 1-based): chr9:131,521,345, G>A. VCF-style: chr9-131521345-G-A. GRCh37 (hg19) VCF-style: chr9-134396732-G-A.
Other names: c.1603-1G>A (NM_001353198.2, NM_001353197.2); c.1765-1G>A (NM_001353193.2, NM_007171.4); c.1699-1G>A (NM_001136113.2); c.1537-1G>A (NM_001353194.2, NM_001077366.2); c.1348-1G>A (NM_001374691.1, NM_001353195.2, NM_001374692.1 and 2 more transcripts); c.1480-1G>A (NM_001374690.1); c.1609-1G>A (NM_001353196.2); c.1309-1G>A (NM_001374695.1); and 4 more.
Identifiers: ClinVar variation 946669 (VCV000946669.8), dbSNP rs1949874222, ClinGen allele CA375313543.
Genomic context (GRCh38, chr9:131,521,345, plus strand): 5'-TCTTCTCTTCCCTCCCTGAGCAGAGGGCAGGTGGCTAACAGCATCTCCCATGTTCCCTTA[G>A]GCTCAGATCCACCTACTTGGAAACATAGTGATCTGGGTTTCGGGCAGCCTCGCTCTGGCC-3'